The following is an entry in ClinVar:

NM_001283009.2(RTEL1):c.1448C>T (p.Ala483Val)

Genes: RTEL1-TNFRSF6B (RTEL1-TNFRSF6B readthrough (NMD candidate); plus strand), RTEL1 (regulator of telomere elongation helicase 1; plus strand). Cytogenetic location: 20q13.33.
Variant type: single nucleotide variant.
Coding change: c.1448C>T on transcript NM_001283009.2 (MANE Select); coding-DNA position 1448, C replaced by T.
Protein change: p.Ala483Val; replaces alanine 483 with valine.
Molecular consequence: missense variant. On other transcripts: non-coding transcript variant (1).
Genome position (GRCh38, 1-based): chr20:63,687,737, C>T. VCF-style: chr20-63687737-C-T. GRCh37 (hg19) VCF-style: chr20-62319090-C-T.
Other names: c.779C>T, p.Ala260Val (NM_001283010.1); c.1448C>T, p.Ala483Val (NM_016434.4); c.1520C>T, p.Ala507Val (NM_032957.5); short protein forms A483V, A507V, A260V.
Identifiers: ClinVar variation 839559 (VCV000839559.10), dbSNP rs2090629357, ClinGen allele CA409676354.

ClinVar aggregate classification (germline): Uncertain significance (1 of 4 stars; one submission).

Conditions:
Dyskeratosis congenita, autosomal recessive 5 (DKCB5). Identifiers: MedGen C3554656, MONDO:0014076, OMIM 615190.
Pulmonary fibrosis and/or bone marrow failure, Telomere-related, 3. Also called: PULMONARY FIBROSIS AND/OR BONE MARROW FAILURE SYNDROME, TELOMERE-RELATED, 3. Identifiers: Orphanet 2032, MedGen C4225346, MONDO:0014613, OMIM 616373.

Submission:

Labcorp Genetics (formerly Invitae), Labcorp
Classification: Uncertain significance for Dyskeratosis congenita, autosomal recessive 5; Pulmonary fibrosis and/or bone marrow failure, Telomere-related, 3. Last evaluated: 2019-02-17. Review status: criteria provided, single submitter. Criteria: Invitae Variant Classification Sherloc (09022015). Collection method: clinical testing. Allele origin: germline.
Comment: In summary, the available evidence is currently insufficient to determine the role of this variant in disease. Therefore, it has been classified as a Variant of Uncertain Significance. Algorithms developed to predict the effect of missense changes on protein structure and function are either unavailable or do not agree on the potential impact of this missense change (SIFT: "Deleterious"; PolyPhen-2: "Probably Damaging"; Align-GVGD: "Class C0"). This variant has not been reported in the literature in individuals with RTEL1-related conditions. This variant is not present in population databases (ExAC no frequency). This sequence change replaces alanine with valine at codon 483 of the RTEL1 protein (p.Ala483Val). The alanine residue is moderately conserved and there is a small physicochemical difference between alanine and valine.